The following is an entry in ClinVar:

ClinVar aggregate classification (germline): Uncertain significance. Review status: criteria provided, multiple submitters, no conflicts (2 of 4 stars). 2 submissions from 2 submitters: Uncertain significance (2). Last evaluated 2024-04-11.

Conditions:
Hereditary cancer-predisposing syndrome. Also called: Neoplastic Syndromes, Hereditary; Hereditary Cancer Syndrome; Tumor predisposition; Hereditary neoplastic syndrome. Identifiers: Orphanet 140162, MedGen C0027672, MeSH D009386, MONDO:0015356.

Allele frequency attached by ClinVar (database versions not stated): gnomAD exomes below 0.00001.
gnomAD v4.1: 1 of 1,614,008 alleles (0.000062%); highest among the groups gnomAD compares: Non-Finnish European, 0.000085%; no homozygotes.

Submissions (2):

Ambry Genetics
Classification: Uncertain significance for Hereditary cancer-predisposing syndrome. Last evaluated: 2024-04-11. Review status: criteria provided, single submitter. Criteria: Ambry Variant Classification Scheme 2023. Collection method: clinical testing. Allele origin: germline.
Comment: The p.V598A variant (also known as c.1793T>C), located in coding exon 11 of the BRIP1 gene, results from a T to C substitution at nucleotide position 1793. The valine at codon 598 is replaced by alanine, an amino acid with similar properties. This variant was not reported in population based cohorts in the following databases: Database of Single Nucleotide Polymorphisms (dbSNP), NHLBI Exome Sequencing Project (ESP), and 1000 Genomes Project. In the ESP, this variant was not observed in 6503 samples (13006 alleles) with coverage at this position. To date, this alteration has been detected with an allele frequency of approximately 0.003% (greater than 40000 alleles tested) in our clinical cohort. This amino acid position is highly conserved in available vertebrate species. In addition, the in silico prediction for this alteration is inconclusive. Since supporting evidence is limited at this time, the clinical significance of p.V598A remains unclear.

Blueprint Genetics
Classification: Uncertain significance. Last evaluated: 2020-10-11. Review status: criteria provided, single submitter. Criteria: ACMG Guidelines, 2015. Collection method: clinical testing. Allele origin: germline.

NM_032043.3(BRIP1):c.1793T>C (p.Val598Ala)

Gene: BRIP1 (BRCA1 interacting DNA helicase 1; minus strand). Cytogenetic location: 17q23.2.
Variant type: single nucleotide variant.
Coding change: c.1793T>C on transcript NM_032043.3 (MANE Select); coding-DNA position 1793, T replaced by C.
Protein change: p.Val598Ala; replaces valine 598 with alanine.
Molecular consequence: missense variant.
Genome position (GRCh38, 1-based): chr17:61,780,841, A>G on the plus strand (T>C on the coding strand, the complement: BRIP1 is on the minus strand). VCF-style: chr17-61780841-A-G. GRCh37 (hg19) VCF-style: chr17-59858202-A-G.
Other names: short protein forms V598A.
Identifiers: ClinVar variation 230338 (VCV000230338.7), dbSNP rs876658510, ClinGen allele CA10580827.
Genomic context (GRCh38, chr17:61,780,841, plus strand): 5'-TTATTAAAATGCTGGTACTGAGCAAGAAGACAAAATTTCCATTTACATGATGAGCTTACC[A>G]CAGCTGGATTTAAGCACCAAAAGTTTAGCACATGAACTGCAGTTTTCTGTCGTGAACGTT-3'
Protein context (NP_114432.2, residues 588-608): VLNFWCLNPA[Val598Ala]AFSDINGKVQ